The following is an entry in ClinVar:

ClinVar aggregate classification (germline): Uncertain significance. Review status: criteria provided, multiple submitters, no conflicts (2 of 4 stars). 2 submissions from 2 submitters: Uncertain significance (2). Last evaluated 2022-07-12.

Conditions:
Hearing loss, autosomal recessive 57. Also called: DEAFNESS, AUTOSOMAL RECESSIVE 57. Identifiers: MedGen C4693893, MONDO:0033201, OMIM 618003.

Allele frequency attached by ClinVar (database versions not stated): TOPMed 0.00001.

Submissions (2):

Labcorp Genetics (formerly Invitae), Labcorp
Classification: Uncertain significance. Last evaluated: 2022-07-12. Review status: criteria provided, single submitter. Criteria: Invitae Variant Classification Sherloc (09022015). Collection method: clinical testing. Allele origin: germline.
Comment: This missense change has been observed in individual(s) with deafness (PMID: 31827275). This sequence change replaces arginine, which is basic and polar, with histidine, which is basic and polar, at codon 227 of the PDZD7 protein (p.Arg227His). This variant is not present in population databases (gnomAD no frequency). ClinVar contains an entry for this variant (Variation ID: 869470). Algorithms developed to predict the effect of missense changes on protein structure and function are either unavailable or do not agree on the potential impact of this missense change (SIFT: "Deleterious"; PolyPhen-2: "Not Available"; Align-GVGD: "Class C25"). In summary, the available evidence is currently insufficient to determine the role of this variant in disease. Therefore, it has been classified as a Variant of Uncertain Significance.

Victorian Clinical Genetics Services, Murdoch Childrens Research Institute
Classification: Uncertain significance for Hearing loss, autosomal recessive 57. Last evaluated: 2018-04-27. Review status: criteria provided, single submitter. Criteria: ACMG Guidelines, 2015. Collection method: clinical testing. Allele origin: unknown. Affected: yes.
Comment: A homozygous missense variant, NM_001195263.1(PDZD7):c.680G>A, has been identified in exon 5 of 17 of the PDZD7 gene. The variant is predicted to result in a minor amino acid change from arginine to histidine at position 227 of the protein (NP_001182192.1(PDZD7):p.(Arg227His)). The arginine residue at this position has very high conservation (100 vertebrates, UCSC), and is located within the PDZ functional domain. In-silico predictions for this variant are consistently pathogenic (Polyphen, SIFT, CADD, Mutation Taster). The variant is absent in population databases (gnomAD, dbSNP, 1000G). This variant has not been previously reported in clinical cases. Based on the information available at the time of curation, this variant has been classified as VARIANT of UNKNOWN SIGNIFICANCE (VUS) with HIGH clinical significance.

Literature cited by the submitters: PubMed 31827275 (cited by Labcorp Genetics (formerly Invitae), Labcorp).

NM_001195263.2(PDZD7):c.680G>A (p.Arg227His)

Gene: PDZD7 (PDZ domain containing 7; minus strand). Cytogenetic location: 10q24.31.
Variant type: single nucleotide variant.
Coding change: c.680G>A on transcript NM_001195263.2 (MANE Select); coding-DNA position 680, G replaced by A.
Protein change: p.Arg227His; replaces arginine 227 with histidine.
Molecular consequence: missense variant.
Genome position (GRCh38, 1-based): chr10:101,022,248, C>T on the plus strand (G>A on the coding strand, the complement: PDZD7 is on the minus strand). VCF-style: chr10-101022248-C-T. GRCh37 (hg19) VCF-style: chr10-102782005-C-T.
Other names: c.680G>A, p.Arg227His (NM_001351044.2, NM_024895.5); short protein forms R227H.
Identifiers: ClinVar variation 869470 (VCV000869470.8), dbSNP rs200730376, ClinGen allele CA212988321.